The following is an entry in ClinVar:

NM_001040108.2(MLH3):c.3294G>A (p.Arg1098=)

Gene: MLH3 (mutL homolog 3; minus strand). Cytogenetic location: 14q24.3.
Variant type: single nucleotide variant.
Coding change: c.3294G>A on transcript NM_001040108.2 (MANE Select); coding-DNA position 3294, G replaced by A.
Protein change: p.Arg1098=; no amino-acid change (arginine 1098 retained).
Molecular consequence: synonymous variant.
Genome position (GRCh38, 1-based): chr14:75,042,464, C>T on the plus strand (G>A on the coding strand, the complement: MLH3 is on the minus strand). VCF-style: chr14-75042464-C-T. GRCh37 (hg19) VCF-style: chr14-75509167-C-T.
Other names: c.3294G>A, p.Arg1098= (NM_014381.3).
Identifiers: ClinVar variation 1729873 (VCV001729873.3), dbSNP rs1060503068, ClinGen allele CA487176885.
Genomic context (GRCh38, chr14:75,042,464, plus strand): 5'-CCTCTCTGCTCGAGCTCTCGGAAGGAAAGGAAGAACAAGGTCGCTTCTAAAAGGTTGACA[C>T]CTGTACTGAGACCCTAAATATAAGAAAGAAAAACCTAGAAATGTGAACTTAAAATACAAG-3'
Protein context (NP_001035197.1, residues 1088-1108): DVVLENGSQY[Arg1098=]CQPFRSDLVL

ClinVar aggregate classification (germline): Benign/Likely benign. Review status: criteria provided, multiple submitters, no conflicts (2 of 4 stars). 2 submissions from 2 submitters: Benign (1); Likely benign (1). Last evaluated 2026-05-05.

Conditions:
Colorectal cancer, hereditary nonpolyposis, type 7. Identifiers: Orphanet 144, MedGen C1858380, MONDO:0013725, OMIM 614385.

Submissions (2):

Myriad Genetics, Inc.
Classification: Benign for Colorectal cancer, hereditary nonpolyposis, type 7. Last evaluated: 2026-05-05. Review status: criteria provided, single submitter. Criteria: Myriad Autosomal Dominant, Autosomal Recessive and X-Linked Classification Criteria (2023). Collection method: clinical testing. Allele origin: unknown.
Comment: This variant is considered benign. This variant is a silent/synonymous amino acid change and it is not expected to impact splicing.

Ambry Genetics
Classification: Likely benign. Last evaluated: 2020-12-21. Review status: criteria provided, single submitter. Criteria: Ambry Variant Classification Scheme 2023. Collection method: clinical testing. Allele origin: germline.